The following is an entry in ClinVar:

ClinVar aggregate classification (germline): Uncertain significance (1 of 4 stars; one submission).

Allele frequency attached by ClinVar (database versions not stated): gnomAD 0.00001.
gnomAD v4.1: 1 of 1,614,060 alleles (0.000062%); highest among the groups gnomAD compares: Non-Finnish European, 0.000085%; no homozygotes.

Submission:

Labcorp Genetics (formerly Invitae), Labcorp
Classification: Uncertain significance. Last evaluated: 2022-10-13. Review status: criteria provided, single submitter. Criteria: Invitae Variant Classification Sherloc (09022015). Collection method: clinical testing. Allele origin: germline.
Comment: In summary, the available evidence is currently insufficient to determine the role of this variant in disease. Therefore, it has been classified as a Variant of Uncertain Significance. Algorithms developed to predict the effect of missense changes on protein structure and function are either unavailable or do not agree on the potential impact of this missense change (SIFT: "Tolerated"; PolyPhen-2: "Probably Damaging"; Align-GVGD: "Class C0"). ClinVar contains an entry for this variant (Variation ID: 1438330). This variant has not been reported in the literature in individuals affected with SLC7A14-related conditions. This variant is present in population databases (no rsID available, gnomAD 0.007%). This sequence change replaces threonine, which is neutral and polar, with isoleucine, which is neutral and non-polar, at codon 200 of the SLC7A14 protein (p.Thr200Ile).

NM_020949.3(SLC7A14):c.599C>T (p.Thr200Ile)

Genes: SLC7A14 (solute carrier family 7 member 14; minus strand), SLC7A14-AS1 (SLC7A14 antisense RNA 1; plus strand). Cytogenetic location: 3q26.2.
Variant type: single nucleotide variant.
Coding change: c.599C>T on transcript NM_020949.3 (MANE Select); coding-DNA position 599, C replaced by T.
Protein change: p.Thr200Ile; replaces threonine 200 with isoleucine.
Molecular consequence: missense variant.
Genome position (GRCh38, 1-based): chr3:170,498,827, G>A on the plus strand (C>T on the coding strand, the complement: SLC7A14 is on the minus strand). VCF-style: chr3-170498827-G-A. GRCh37 (hg19) VCF-style: chr3-170216616-G-A.
Other names: short protein forms T200I.
Identifiers: ClinVar variation 1438330 (VCV001438330.8), dbSNP rs1016960502, ClinGen allele CA88020805.